The following is an entry in ClinVar:

NM_001367624.2(ZNF469):c.10538C>T (p.Ser3513Leu)

Gene: ZNF469 (zinc finger protein 469; plus strand). Cytogenetic location: 16q24.2.
Variant type: single nucleotide variant.
Coding change: c.10538C>T on transcript NM_001367624.2 (MANE Select); coding-DNA position 10538, C replaced by T.
Protein change: p.Ser3513Leu; replaces serine 3513 with leucine.
Molecular consequence: missense variant.
Genome position (GRCh38, 1-based): chr16:88,438,008, C>T. VCF-style: chr16-88438008-C-T. GRCh37 (hg19) VCF-style: chr16-88504416-C-T.
Other names: NM_001127464.1:c.10454C>T; short protein forms S3513L.
Identifiers: ClinVar variation 1254147 (VCV001254147.5), dbSNP rs772753807, ClinGen allele CA8225525.
Genomic context (GRCh38, chr16:88,438,008, plus strand): 5'-CCCGGGGAAGCAGCCCCATCCTGAGTGAGGGCTCTCTCCCGGCCCTGCTCCACCTGTGTT[C>T]GGAGGTGGCTCCCAGCACCACCAAGGGATGGCCCGAGACCCTAGAGAGGCCTGTAGACCC-3'
Protein context (NP_001354553.1, residues 3503-3523): GSLPALLHLC[Ser3513Leu]EVAPSTTKGW

ClinVar aggregate classification (germline): Uncertain significance. Review status: criteria provided, multiple submitters, no conflicts (2 of 4 stars). 2 submissions from 2 submitters: Uncertain significance (2). Last evaluated 2024-09-04.

Allele frequency attached by ClinVar (database versions not stated): gnomAD 0.00002; TOPMed 0.00003; ExAC 0.00006.
gnomAD v4.1: 103 of 1,549,460 alleles (0.0066%); highest among the groups gnomAD compares: South Asian, 0.03%; no homozygotes.

Submissions (2):

GeneDx
Classification: Uncertain significance. Last evaluated: 2024-09-04. Review status: criteria provided, single submitter. Criteria: GeneDx Variant Classification Process June 2021. Collection method: clinical testing. Allele origin: germline. Affected: yes.
Comment: In silico analysis indicates that this missense variant does not alter protein structure/function; Has not been previously published as pathogenic or benign to our knowledge

Labcorp Genetics (formerly Invitae), Labcorp
Classification: Uncertain significance. Last evaluated: 2022-06-20. Review status: criteria provided, single submitter. Criteria: Invitae Variant Classification Sherloc (09022015). Collection method: clinical testing. Allele origin: germline.
Comment: This sequence change replaces serine, which is neutral and polar, with leucine, which is neutral and non-polar, at codon 3485 of the ZNF469 protein (p.Ser3485Leu). This variant is present in population databases (rs772753807, gnomAD 0.04%). This variant has not been reported in the literature in individuals affected with ZNF469-related conditions. ClinVar contains an entry for this variant (Variation ID: 1254147). Algorithms developed to predict the effect of missense changes on protein structure and function output the following: SIFT: "Tolerated"; PolyPhen-2: "Benign"; Align-GVGD: "Class C0". The leucine amino acid residue is found in multiple mammalian species, which suggests that this missense change does not adversely affect protein function. In summary, the available evidence is currently insufficient to determine the role of this variant in disease. Therefore, it has been classified as a Variant of Uncertain Significance.